The following is an entry in ClinVar:

ClinVar aggregate classification (germline): Conflicting classifications of pathogenicity. Review status: criteria provided, conflicting classifications (1 of 4 stars). 4 submissions from 4 submitters: Uncertain significance (3); Likely benign (1). Last evaluated 2025-05-05.

Conditions:
Inborn genetic diseases. Identifiers: MedGen C0950123, MeSH D030342.
Apparent mineralocorticoid excess (AME). Also called: CORTISOL 11-BETA-KETOREDUCTASE DEFICIENCY. Identifiers: Orphanet 320, MedGen C0342488, MONDO:0009025, OMIM 218030.

Allele frequency attached by ClinVar (database versions not stated): gnomAD exomes 0.00004; ExAC 0.00006; gnomAD 0.00009; TOPMed 0.00009.
gnomAD v4.1: 73 of 1,610,722 alleles (0.0045%); highest among the groups gnomAD compares: Middle Eastern, 0.033%; no homozygotes.

Submissions (4):

Labcorp Genetics (formerly Invitae), Labcorp
Classification: Uncertain significance. Last evaluated: 2025-05-05. Review status: criteria provided, single submitter. Criteria: Invitae Variant Classification Sherloc (09022015). Collection method: clinical testing. Allele origin: germline.
Comment: This sequence change replaces leucine, which is neutral and non-polar, with proline, which is neutral and non-polar, at codon 395 of the HSD11B2 protein (p.Leu395Pro). This variant is present in population databases (rs45619232, gnomAD 0.1%). This variant has not been reported in the literature in individuals affected with HSD11B2-related conditions. ClinVar contains an entry for this variant (Variation ID: 2035909). An algorithm developed to predict the effect of missense changes on protein structure and function outputs the following: PolyPhen-2: "Benign". The proline amino acid residue is found in multiple mammalian species, which suggests that this missense change does not adversely affect protein function. In summary, the available evidence is currently insufficient to determine the role of this variant in disease. Therefore, it has been classified as a Variant of Uncertain Significance.

Women's Health and Genetics/Laboratory Corporation of America, LabCorp
Classification: Uncertain significance. Last evaluated: 2024-04-11. Review status: criteria provided, single submitter. Criteria: LabCorp Variant Classification Summary - May 2015. Collection method: clinical testing. Allele origin: germline.
Comment: Variant summary: HSD11B2 c.1184T>C (p.Leu395Pro) results in a non-conservative amino acid change in the encoded protein sequence. Four of five in-silico tools predict a benign effect of the variant on protein function. The variant allele was found at a frequency of 9.7e-05 in 246646 control chromosomes (gnomAD). This frequency is not significantly higher than estimated for a pathogenic variant in HSD11B2 causing Apparent Mineralocorticoid Excess (9.7e-05 vs 0.0035), allowing no conclusion about variant significance. To our knowledge, no occurrence of c.1184T>C in individuals affected with Apparent Mineralocorticoid Excess and no experimental evidence demonstrating its impact on protein function have been reported. ClinVar contains an entry for this variant (Variation ID: 2035909). Based on the evidence outlined above, the variant was classified as uncertain significance.

Fulgent Genetics
Classification: Uncertain significance for Apparent mineralocorticoid excess. Last evaluated: 2023-12-27. Review status: criteria provided, single submitter. Criteria: ACMG Guidelines, 2015. Collection method: clinical testing. Allele origin: germline.

Ambry Genetics
Classification: Likely benign for Inborn genetic diseases. Last evaluated: 2023-01-17. Review status: criteria provided, single submitter. Criteria: Ambry Variant Classification Scheme 2023. Collection method: clinical testing. Allele origin: germline.

NM_000196.4(HSD11B2):c.1184T>C (p.Leu395Pro)

Gene: HSD11B2 (hydroxysteroid 11-beta dehydrogenase 2; plus strand). Cytogenetic location: 16q22.1.
Variant type: single nucleotide variant.
Coding change: c.1184T>C on transcript NM_000196.4 (MANE Select); coding-DNA position 1184, T replaced by C.
Protein change: p.Leu395Pro; replaces leucine 395 with proline.
Molecular consequence: missense variant.
Genome position (GRCh38, 1-based): chr16:67,436,969, T>C. VCF-style: chr16-67436969-T-C. GRCh37 (hg19) VCF-style: chr16-67470872-T-C.
Other names: c.1184T>C (NM_000196.3); short protein forms L395P.
Identifiers: ClinVar variation 2035909 (VCV002035909.8), dbSNP rs45619232, ClinGen allele CA8110828.